The following is an entry in ClinVar:

NM_005216.5(DDOST):c.1082A>G (p.Gln361Arg)

Gene: DDOST (dolichyl-diphosphooligosaccharide--protein glycosyltransferase non-catalytic subunit; minus strand). Cytogenetic location: 1p36.12.
Variant type: single nucleotide variant.
Coding change: c.1082A>G on transcript NM_005216.5 (MANE Select); coding-DNA position 1082, A replaced by G.
Protein change: p.Gln361Arg; replaces glutamine 361 with arginine.
Molecular consequence: missense variant.
Genome position (GRCh38, 1-based): chr1:20,652,709, T>C on the plus strand (A>G on the coding strand, the complement: DDOST is on the minus strand). VCF-style: chr1-20652709-T-C. GRCh37 (hg19) VCF-style: chr1-20979202-T-C.
Other names: short protein forms Q361R.
Identifiers: ClinVar variation 4748552 (VCV004748552.1).

ClinVar aggregate classification (germline): Uncertain significance (1 of 4 stars; one submission).

Conditions:
Congenital disorder of glycosylation type Ir (CDG1R). Also called: DDOST-congenital disorder of glycosylation. Identifiers: Orphanet 300536, MedGen C3281084, MONDO:0013789, OMIM 614507.

gnomAD v4.1: 44 of 1,614,098 alleles (0.0027%); highest among the groups gnomAD compares: East Asian, 0.094%; no homozygotes.

Submission:

Labcorp Genetics (formerly Invitae), Labcorp
Classification: Uncertain significance for Congenital disorder of glycosylation type Ir. Last evaluated: 2025-12-02. Review status: criteria provided, single submitter. Criteria: Invitae Variant Classification Sherloc (09022015). Collection method: clinical testing. Allele origin: germline.
Comment: This sequence change replaces glutamine, which is neutral and polar, with arginine, which is basic and polar, at codon 378 of the DDOST protein (p.Gln378Arg). This variant is present in population databases (rs770428927, gnomAD 0.03%). This variant has not been reported in the literature in individuals affected with DDOST-related conditions. Invitae Evidence Modeling of protein sequence and biophysical properties (such as structural, functional, and spatial information, amino acid conservation, physicochemical variation, residue mobility, and thermodynamic stability) indicates that this missense variant is not expected to disrupt DDOST protein function with a negative predictive value of 80%. In summary, the available evidence is currently insufficient to determine the role of this variant in disease. Therefore, it has been classified as a Variant of Uncertain Significance.